The following is an entry in ClinVar:

NM_152564.5(VPS13B):c.9472C>T (p.Gln3158Ter)

Gene: VPS13B (vacuolar protein sorting 13 homolog B; plus strand). Cytogenetic location: 8q22.2.
Variant type: single nucleotide variant.
Coding change: c.9472C>T on transcript NM_152564.5 (MANE Select); coding-DNA position 9472, C replaced by T.
Protein change: p.Gln3158Ter; replaces glutamine 3158 with a stop codon.
Molecular consequence: nonsense.
Genome position (GRCh38, 1-based): chr8:99,832,510, C>T. VCF-style: chr8-99832510-C-T. GRCh37 (hg19) VCF-style: chr8-100844738-C-T.
Other names: c.9547C>T, p.Gln3183Ter (NM_017890.5); short protein forms Q3158*, Q3183*.
Identifiers: ClinVar variation 225027 (VCV000225027.11), dbSNP rs753770252, ClinGen allele CA358089.

ClinVar aggregate classification (germline): Pathogenic. Review status: criteria provided, multiple submitters, no conflicts (2 of 4 stars). 3 submissions from 3 submitters: Pathogenic (2). 1 of the submissions does not count toward it. Last evaluated 2023-08-17.

Conditions:
Inborn genetic diseases. Identifiers: MedGen C0950123, MeSH D030342.
Cohen syndrome (COH1). Also called: Cutis verticis gyrata, retinitis pigmentosa, and sensorineural deafness; PEPPER SYNDROME. Identifiers: Orphanet 193, MedGen C0265223, MONDO:0008999, OMIM 216550.

Submissions (3):

Labcorp Genetics (formerly Invitae), Labcorp
Classification: Pathogenic for Cohen syndrome. Last evaluated: 2023-08-17. Review status: criteria provided, single submitter. Criteria: Invitae Variant Classification Sherloc (09022015). Collection method: clinical testing. Allele origin: germline.
Comment: This variant has not been reported in the literature in individuals affected with VPS13B-related conditions. ClinVar contains an entry for this variant (Variation ID: 225027). Algorithms developed to predict the effect of sequence changes on RNA splicing suggest that this variant may disrupt the consensus splice site. This variant is not present in population databases (gnomAD no frequency). For these reasons, this variant has been classified as Pathogenic. This sequence change creates a premature translational stop signal (p.Gln3183*) in the VPS13B gene. It is expected to result in an absent or disrupted protein product. Loss-of-function variants in VPS13B are known to be pathogenic (PMID: 15141358, 16648375, 20461111).

Ambry Genetics
Classification: Pathogenic for Inborn genetic diseases. Last evaluated: 2014-03-31. Review status: criteria provided, single submitter. Criteria: Ambry Autosomal Dominant and X-Linked criteria (10/2015). Collection method: clinical testing. Allele origin: germline. Observed: 1 variant allele.

Counsyl
Classification: Likely pathogenic for Cohen syndrome. Last evaluated: 2017-10-17. Review status: no assertion criteria provided. Collection method: clinical testing. Allele origin: unknown. Not counted in ClinVar's aggregate classification.

Literature cited by the submitters: PubMed 15141358 (cited by Labcorp Genetics (formerly Invitae), Labcorp); PubMed 16648375 (cited by Labcorp Genetics (formerly Invitae), Labcorp); PubMed 20461111 (cited by Labcorp Genetics (formerly Invitae), Labcorp); PubMed 25356970 (cited by Counsyl).